The following is an entry in ClinVar:

NM_139057.4(ADAMTS17):c.2016+6G>A

Gene: ADAMTS17 (ADAM metallopeptidase with thrombospondin type 1 motif 17; minus strand). Cytogenetic location: 15q26.3.
Variant type: single nucleotide variant.
Coding change: c.2016+6G>A on transcript NM_139057.4 (MANE Select); 6 bases into the intron after coding-DNA position 2016, G replaced by A.
Molecular consequence: intron variant.
Genome position (GRCh38, 1-based): chr15:100,108,983, C>T on the plus strand (G>A on the coding strand, the complement: ADAMTS17 is on the minus strand). VCF-style: chr15-100108983-C-T. GRCh37 (hg19) VCF-style: chr15-100649188-C-T.
Identifiers: ClinVar variation 3631551 (VCV003631551.2).

ClinVar aggregate classification (germline): Uncertain significance (1 of 4 stars; one submission).

gnomAD v4.1: 14 of 1,613,720 alleles (0.00087%); highest among the groups gnomAD compares: Middle Eastern, 0.017%; no homozygotes.

Submission:

Labcorp Genetics (formerly Invitae), Labcorp
Classification: Uncertain significance. Last evaluated: 2025-01-29. Review status: criteria provided, single submitter. Criteria: Invitae Variant Classification Sherloc (09022015). Collection method: clinical testing. Allele origin: germline.
Comment: This sequence change falls in intron 14 of the ADAMTS17 gene. It does not directly change the encoded amino acid sequence of the ADAMTS17 protein. It affects a nucleotide within the consensus splice site. This variant is present in population databases (rs370240260, gnomAD 0.006%). This variant has not been reported in the literature in individuals affected with ADAMTS17-related conditions. Variants that disrupt the consensus splice site are a relatively common cause of aberrant splicing (PMID: 17576681, 9536098). Algorithms developed to predict the effect of sequence changes on RNA splicing suggest that this variant is not likely to affect RNA splicing. In summary, the available evidence is currently insufficient to determine the role of this variant in disease. Therefore, it has been classified as a Variant of Uncertain Significance.

Literature cited by the submitters: PubMed 17576681; PubMed 9536098.